The following is an entry in ClinVar:

ClinVar aggregate classification (germline): Conflicting classifications of pathogenicity. Review status: criteria provided, conflicting classifications (1 of 4 stars). 3 submissions from 3 submitters: Likely pathogenic (2); Uncertain significance (1). Last evaluated 2024-12-17.

Conditions:
Hereditary cancer-predisposing syndrome. Also called: Neoplastic Syndromes, Hereditary; Tumor predisposition; Hereditary Cancer Syndrome; Hereditary neoplastic syndrome. Identifiers: Orphanet 140162, MedGen C0027672, MeSH D009386, MONDO:0015356.
Multiple endocrine neoplasia type 2A. Also called: MULTIPLE ENDOCRINE NEOPLASIA, TYPE IIA; PTC SYNDROME; SIPPLE SYNDROME; MEN 2A; MEN-2A syndrome; Pheochromocytoma and amyloid producing medullary thyroid carcinoma. Identifiers: Orphanet 247698, Orphanet 653, MedGen C0025268, MeSH D018813, MONDO:0008234, OMIM 171400.

Allele frequency attached by ClinVar (database versions not stated): TOPMed below 0.00001.
gnomAD v4.1: 1 of 1,613,158 alleles (0.000062%); no homozygotes.

Submissions (3):

Ambry Genetics
Classification: Uncertain significance for Hereditary cancer-predisposing syndrome. Last evaluated: 2024-12-17. Review status: criteria provided, single submitter. Criteria: Ambry Variant Classification Scheme 2023. Collection method: clinical testing. Allele origin: germline.
Comment: The p.S904F variant (also known as c.2711C>T), located in coding exon 15 of the RET gene, results from a C to T substitution at nucleotide position 2711. The serine at codon 904 is replaced by phenylalanine, an amino acid with highly dissimilar properties. This variant was reported in individual(s) with features consistent with multiple endocrine neoplasia type 2 (MEN2) (Innella G et al. Cancers (Basel), 2020 Nov;12). In an assay testing RET function, this variant showed a functionally abnormal result (Nakaoku T et al. Nat Commun, 2018 Feb;9:625). This amino acid position is highly conserved in available vertebrate species. In addition, this alteration is predicted to be deleterious by in silico analysis. Based on the available evidence, the clinical significance of this variant remains unclear.

Division of Medical Genetics, Azienda Ospedaliero-Universitaria Policlinico S. Orsola-Malpighi
Classification: Likely pathogenic for Multiple endocrine neoplasia type 2A. Last evaluated: 2020-11-20. Review status: criteria provided, single submitter. Criteria: Submitter's publication. Collection method: clinical testing. Allele origin: inherited. Inheritance: Autosomal dominant inheritance. Affected: yes.
Comment: The p.Ser904Phe variant, previously reported in one family with father and son affected by adult-onset MTC and hypothesized as belonging to the lowest risk level based on results of in silico and in vitro analyses (Cosci et al 2011, Elisei et al 2019), was identified in ten individuals from a single family, seven of whom affected by adult-onset MTC. Thus, the availability of several genetically and clinically characterized members allowed to provide evidence that the p.Ser904Phe variant is highly penetrant but leads to the development of slowly-progressing MTC at relatively advanced age.

ARUP Laboratories, Molecular Genetics and Genomics, ARUP Laboratories
Classification: Likely pathogenic. Last evaluated: 2017-06-18. Review status: criteria provided, single submitter. Criteria: ARUP Molecular Germline Variant Investigation Process. Collection method: clinical testing. Allele origin: germline.
Comment: The RET c.2711C>T;p.Ser904Phe variant has been published in at least one family with medullary thyroid carcinoma (Cosci 2011, Elisei 2007). The variant has also been shown to perform similarly to known pathogenic variants in at least one in vitro study (Cosci 2011). Additionally, this variant is located in the tyrosine kinase domain, immediately adjacent to tyrosine 905, which is critical in several of the protein's functions (Arighi 2005). The variant is described in the ClinVar database (Variation ID: 24963) and the dbSNP variant database (rs267607011), but not in the general population abased databases (Exome Variant Server, Genome Aggregation Database). The amino acid at this position is highly conserved across species and computational algorithms (PolyPhen2, SIFT) predict this variant is deleterious. Considering available information, this variant is classified as likely pathogenic. References: Arighi E et al. RET tyrosine kinase signaling in development and cancer. Cytokine Growth Factor Rev. 2005 Aug-Oct;16(4-5):441-67. Cosci B et al. In silico and in vitro analysis of rare germline allelic variants of RET oncogene associated with medullary thyroid cancer. Endocr Relat Cancer. 2011 Sep 20;18(5):603-12. Elisei R et al. RET genetic screening in patients with medullary thyroid cancer and their relatives: experience with 807 individuals at one center. J Clin Endocrinol Metab. 2007 Dec;92(12):4725-9.

Literature cited by the submitters: PubMed 29434222 (cited by Ambry Genetics); PubMed 33167350 (cited by Ambry Genetics); DOI 10.3390/cancers12113268 (cited by Division of Medical Genetics, Azienda Ospedaliero-Universitaria Policlinico S. Orsola-Malpighi).

NM_020975.6(RET):c.2711C>T (p.Ser904Phe)

Gene: RET (ret proto-oncogene; plus strand). Cytogenetic location: 10q11.21.
Variant type: single nucleotide variant.
Coding change: c.2711C>T on transcript NM_020975.6 (MANE Select); coding-DNA position 2711, C replaced by T.
Protein change: p.Ser904Phe; replaces serine 904 with phenylalanine.
Molecular consequence: missense variant.
Genome position (GRCh38, 1-based): chr10:43,120,184, C>T. VCF-style: chr10-43120184-C-T. GRCh37 (hg19) VCF-style: chr10-43615632-C-T.
Other names: c.2711C>T, p.Ser904Phe (NM_000323.2, NM_001406743.1, NM_001406744.1 and 4 more transcripts); c.1949C>T, p.Ser650Phe (NM_001355216.2); c.2582C>T, p.Ser861Phe (NM_001406761.1, NM_001406762.1, NM_001406764.1); c.2576C>T, p.Ser859Phe (NM_001406763.1, NM_001406765.1); c.2423C>T, p.Ser808Phe (NM_001406766.1, NM_001406767.1, NM_001406770.1); c.2447C>T, p.Ser816Phe (NM_001406768.1); c.2315C>T, p.Ser772Phe (NM_001406769.1, NM_001406772.1); c.2273C>T, p.Ser758Phe (NM_001406771.1, NM_001406773.1); and 10 more; short protein forms S650F, S421F, S662F, S816F, S469F, S562F, S574F, S808F.
Identifiers: ClinVar variation 24963 (VCV000024963.12), dbSNP rs267607011, ClinGen allele CA009027.
Genomic context (GRCh38, chr10:43,120,184, plus strand): 5'-AGGGGCGGAAGATGAAGATTTCGGATTTCGGCTTGTCCCGAGATGTTTATGAAGAGGATT[C>T]CTACGTGAAGAGGAGCCAGGTGCCCAGTCCCGGGGATGAGGCGGGGCTCCCAGGGATCCC-3'
Protein context (NP_066124.1, residues 894-914): GLSRDVYEED[Ser904Phe]YVKRSQGRIP